The following is an entry in ClinVar:

NM_015141.4(GPD1L):c.270G>A (p.Leu90=)

Gene: GPD1L (glycerol-3-phosphate dehydrogenase 1 like; plus strand). Cytogenetic location: 3p22.3.
Variant type: single nucleotide variant.
Coding change: c.270G>A on transcript NM_015141.4 (MANE Select); coding-DNA position 270, G replaced by A.
Protein change: p.Leu90=; no amino-acid change (leucine 90 retained).
Molecular consequence: synonymous variant.
Genome position (GRCh38, 1-based): chr3:32,138,631, G>A. VCF-style: chr3-32138631-G-A. GRCh37 (hg19) VCF-style: chr3-32180123-G-A.
Other names: c.270G>A (NM_015141.3).
Identifiers: ClinVar variation 1614232 (VCV001614232.9), dbSNP rs2125485191, ClinGen allele CA432930536.

ClinVar aggregate classification (germline): Conflicting classifications of pathogenicity. Review status: criteria provided, conflicting classifications (1 of 4 stars). 2 submissions from 2 submitters: Uncertain significance (1); Likely benign (1). Last evaluated 2024-05-08.

Conditions:
Brugada syndrome. Also called: Sudden unexplained nocturnal death syndrome; Sudden unexpected nocturnal death syndrome; Sudden Unexplained Death Syndrome; Sudden Unexplained Nocturnal Death Syndrome (SUNDS). Identifiers: Orphanet 130, MedGen C1142166, MONDO:0015263.
Cardiovascular phenotype. Identifiers: MedGen CN230736.

gnomAD v4.1: 19 of 1,613,842 alleles (0.0012%); highest among the groups gnomAD compares: Non-Finnish European, 0.0016%; no homozygotes.

Submissions (2):

Labcorp Genetics (formerly Invitae), Labcorp
Classification: Likely benign for Brugada syndrome. Last evaluated: 2024-05-08. Review status: criteria provided, single submitter. Criteria: Invitae Variant Classification Sherloc (09022015). Collection method: clinical testing. Allele origin: germline.

Ambry Genetics
Classification: Uncertain significance for Cardiovascular phenotype. Last evaluated: 2023-07-28. Review status: criteria provided, single submitter. Criteria: Ambry Variant Classification Scheme 2023. Collection method: clinical testing. Allele origin: germline.
Comment: The c.270G>A variant (also known as p.L90L), located in coding exon 3 of the GPD1L gene, results from a G to A substitution at nucleotide position 270. This nucleotide substitution does not change the leucine at codon 90. This nucleotide position is not well conserved in available vertebrate species. In silico splice site analysis for this alteration is inconclusive. The evidence for this gene-disease relationship is limited; therefore, the clinical significance of this alteration is unclear.